The following is an entry in ClinVar:

NM_001367823.1(ARHGEF18):c.1061G>A (p.Gly354Asp)

Gene: ARHGEF18 (Rho/Rac guanine nucleotide exchange factor 18; plus strand). Cytogenetic location: 19p13.2.
Variant type: single nucleotide variant.
Coding change: c.1061G>A on transcript NM_001367823.1 (MANE Select); coding-DNA position 1061, G replaced by A.
Protein change: p.Gly354Asp; replaces glycine 354 with aspartic acid.
Molecular consequence: missense variant.
Genome position (GRCh38, 1-based): chr19:7,440,437, G>A. VCF-style: chr19-7440437-G-A. GRCh37 (hg19) VCF-style: chr19-7505323-G-A.
Other names: c.335G>A, p.Gly112Asp (NM_001130955.2); c.23G>A, p.Gly8Asp (NM_001367824.1, NM_015318.4); short protein forms G112D, G354D, G8D.
Identifiers: ClinVar variation 958543 (VCV000958543.9), dbSNP rs1974568365, ClinGen allele CA403096864.

ClinVar aggregate classification (germline): Uncertain significance (1 of 4 stars; one submission).

Allele frequency attached by ClinVar (database versions not stated): gnomAD 0.00001.

Submission:

Labcorp Genetics (formerly Invitae), Labcorp
Classification: Uncertain significance. Last evaluated: 2019-10-24. Review status: criteria provided, single submitter. Criteria: Invitae Variant Classification Sherloc (09022015). Collection method: clinical testing. Allele origin: germline.
Comment: This variant is not present in population databases (ExAC no frequency). In summary, the available evidence is currently insufficient to determine the role of this variant in disease. Therefore, it has been classified as a Variant of Uncertain Significance. Algorithms developed to predict the effect of missense changes on protein structure and function (SIFT, PolyPhen-2, Align-GVGD) all suggest that this variant is likely to be tolerated, but these predictions have not been confirmed by published functional studies and their clinical significance is uncertain. This variant has not been reported in the literature in individuals with ARHGEF18-related conditions. This sequence change replaces glycine with aspartic acid at codon 166 of the ARHGEF18 protein (p.Gly166Asp). The glycine residue is moderately conserved and there is a moderate physicochemical difference between glycine and aspartic acid.